The following is an entry in ClinVar:

NM_033380.3(COL4A5):c.1972A>G (p.Thr658Ala)

Gene: COL4A5 (collagen type IV alpha 5 chain; plus strand). Cytogenetic location: Xq22.3.
Variant type: single nucleotide variant.
Coding change: c.1972A>G on transcript NM_033380.3 (MANE Select); coding-DNA position 1972, A replaced by G.
Protein change: p.Thr658Ala; replaces threonine 658 with alanine.
Molecular consequence: missense variant.
Genome position (GRCh38, 1-based): chrX:108,601,416, A>G. VCF-style: chrX-108601416-A-G. GRCh37 (hg19) VCF-style: chrX-107844646-A-G.
Other names: c.1972A>G, p.Thr658Ala (NM_000495.5); short protein forms T658A.
Identifiers: ClinVar variation 2502586 (VCV002502586.1), dbSNP rs747768366, ClinGen allele CA10488823.
Genomic context (GRCh38, chrX:108,601,416, plus strand): 5'-TACTTCTCATTTACCATTGATTTACTCTTGCTTTCAGGTCCTAAAGGGGATCCAGGTCAG[A>G]CTATAACCCAGCCGGGGAAGCCTGGCTTGCCTGGTAACCCAGGCAGAGATGGTGATGTAG-3'
Protein context (NP_203699.1, residues 648-668): IPGPKGDPGQ[Thr658Ala]ITQPGKPGLP

ClinVar aggregate classification (germline): Uncertain significance (1 of 4 stars; one submission).

Allele frequency attached by ClinVar (database versions not stated): ExAC 0.00001.
gnomAD v4.1: 25 of 1,205,569 alleles (0.0021%); highest among the groups gnomAD compares: Non-Finnish European, 0.0028%; no homozygotes.

Submission:

GeneDx
Classification: Uncertain significance. Last evaluated: 2022-11-22. Review status: criteria provided, single submitter. Criteria: GeneDx Variant Classification Process June 2021. Collection method: clinical testing. Allele origin: germline. Affected: yes.
Comment: Not observed at significant frequency in large population cohorts (gnomAD); In silico analysis supports that this missense variant does not alter protein structure/function; Occurs in the triple helical domain at the Y position in the canonical Gly-X-Y repeat; although this variant may have an effect on normal protein folding and function, missense substitution at the Y position is not a common mechanism of disease; Has not been previously published as pathogenic or benign to our knowledge